The following is an entry in ClinVar:

ClinVar aggregate classification (germline): Uncertain significance (1 of 4 stars; one submission).

Conditions:
Inborn genetic diseases. Identifiers: MedGen C0950123, MeSH D030342.

Submission:

Ambry Genetics
Classification: Uncertain significance for Inborn genetic diseases. Last evaluated: 2024-02-11. Review status: criteria provided, single submitter. Criteria: Ambry Variant Classification Scheme 2023. Collection method: clinical testing. Allele origin: germline.
Comment: The p.A61T variant (also known as c.181G>A), located in coding exon 3 of the BUB1B gene, results from a G to A substitution at nucleotide position 181. The alanine at codon 61 is replaced by threonine, an amino acid with similar properties. This amino acid position is conserved. In addition, this alteration is predicted to be tolerated by in silico analysis. Based on the available evidence, the clinical significance of this alteration remains unclear.

NM_001211.6(BUB1B):c.181G>A (p.Ala61Thr)

Gene: BUB1B (BUB1 mitotic checkpoint serine/threonine kinase B; plus strand). Cytogenetic location: 15q15.1.
Variant type: single nucleotide variant.
Coding change: c.181G>A on transcript NM_001211.6 (MANE Select); coding-DNA position 181, G replaced by A.
Protein change: p.Ala61Thr; replaces alanine 61 with threonine.
Molecular consequence: missense variant.
Genome position (GRCh38, 1-based): chr15:40,170,063, G>A. VCF-style: chr15-40170063-G-A. GRCh37 (hg19) VCF-style: chr15-40462264-G-A.
Other names: short protein forms A61T.
Identifiers: ClinVar variation 3221362 (VCV003221362.1), dbSNP rs2542515602, ClinGen allele CA391678352.